The following is an entry in ClinVar:

NM_001035.3(RYR2):c.2590C>A (p.Pro864Thr)

Gene: RYR2 (ryanodine receptor 2; plus strand). Cytogenetic location: 1q43.
Variant type: single nucleotide variant.
Coding change: c.2590C>A on transcript NM_001035.3 (MANE Select); coding-DNA position 2590, C replaced by A.
Protein change: p.Pro864Thr; replaces proline 864 with threonine.
Molecular consequence: missense variant.
Genome position (GRCh38, 1-based): chr1:237,503,482, C>A. VCF-style: chr1-237503482-C-A. GRCh37 (hg19) VCF-style: chr1-237666782-C-A.
Other names: short protein forms P864T.
Identifiers: ClinVar variation 4800060 (VCV004800060.1).
Genomic context (GRCh38, chr1:237,503,482, plus strand): 5'-AGAACTTACACACGCGACCTGCTGGGCCCCACAGTTTCCCTGACGCAAGCTGCCTTCACA[C>A]CCATCCCTGTGGATACCAGCCAGGTACCAAGATCCACTCGAATGGCAATCACTGGTATTG-3'
Protein context (NP_001026.2, residues 854-874): TVSLTQAAFT[Pro864Thr]IPVDTSQIVL

ClinVar aggregate classification (germline): Uncertain significance (1 of 4 stars; one submission).

Conditions:
Catecholaminergic polymorphic ventricular tachycardia 1. Also called: VENTRICULAR TACHYCARDIA, STRESS-INDUCED POLYMORPHIC 1; RYR2-Related Catecholaminergic Polymorphic Ventricular Tachycardia; VENTRICULAR TACHYCARDIA, CATECHOLAMINERGIC POLYMORPHIC, 1, WITH OR WITHOUT ATRIAL DYSFUNCTION AND/OR DILATED CARDIOMYOPATHY. Identifiers: Orphanet 3286, MedGen C1631597, MONDO:0011484, OMIM 604772.

Submission:

Labcorp Genetics (formerly Invitae), Labcorp
Classification: Uncertain significance for Catecholaminergic polymorphic ventricular tachycardia 1. Last evaluated: 2026-02-01. Review status: criteria provided, single submitter. Criteria: Invitae Variant Classification Sherloc (09022015). Collection method: clinical testing. Allele origin: germline.
Comment: This sequence change replaces proline, which is neutral and non-polar, with threonine, which is neutral and polar, at codon 864 of the RYR2 protein (p.Pro864Thr). This variant is not present in population databases (gnomAD no frequency). This variant has not been reported in the literature in individuals affected with RYR2-related conditions. Invitae Evidence Modeling of protein sequence and biophysical properties (such as structural, functional, and spatial information, amino acid conservation, physicochemical variation, residue mobility, and thermodynamic stability) indicates that this missense variant is expected to disrupt RYR2 protein function with a positive predictive value of 95%. In summary, the available evidence is currently insufficient to determine the role of this variant in disease. Therefore, it has been classified as a Variant of Uncertain Significance.